The following is an entry in ClinVar:

ClinVar aggregate classification (germline): Uncertain significance (1 of 4 stars; one submission).

Conditions:
Ehlers-Danlos syndrome, classic type, 1 (EDSCL1). Also called: EHLERS-DANLOS SYNDROME, GRAVIS TYPE; EHLERS-DANLOS SYNDROME, SEVERE CLASSIC TYPE; Ehlers-Danlos syndrome, type 1; Ehlers-Danlos Syndrome, Classic Type, COL5A1-Related; EDS I. Identifiers: MedGen C0268335, MONDO:0019567, OMIM 130000.

Allele frequency attached by ClinVar (database versions not stated): TOPMed 0.00002; gnomAD exomes below 0.00001; gnomAD 0.00002.

Submission:

Labcorp Genetics (formerly Invitae), Labcorp
Classification: Uncertain significance for Ehlers-Danlos syndrome, classic type, 1. Last evaluated: 2023-02-08. Review status: criteria provided, single submitter. Criteria: Invitae Variant Classification Sherloc (09022015). Collection method: clinical testing. Allele origin: germline.
Comment: In summary, the available evidence is currently insufficient to determine the role of this variant in disease. Therefore, it has been classified as a Variant of Uncertain Significance. This sequence change replaces proline, which is neutral and non-polar, with threonine, which is neutral and polar, at codon 1046 of the COL5A2 protein (p.Pro1046Thr). This variant is not present in population databases (gnomAD no frequency). This variant has not been reported in the literature in individuals affected with COL5A2-related conditions. Advanced modeling of protein sequence and biophysical properties (such as structural, functional, and spatial information, amino acid conservation, physicochemical variation, residue mobility, and thermodynamic stability) performed at Invitae indicates that this missense variant is not expected to disrupt COL5A2 protein function.

NM_000393.5(COL5A2):c.3136C>A (p.Pro1046Thr)

Gene: COL5A2 (collagen type V alpha 2 chain; minus strand). Cytogenetic location: 2q32.2.
Variant type: single nucleotide variant.
Coding change: c.3136C>A on transcript NM_000393.5 (MANE Select); coding-DNA position 3136, C replaced by A.
Protein change: p.Pro1046Thr; replaces proline 1046 with threonine.
Molecular consequence: missense variant.
Genome position (GRCh38, 1-based): chr2:189,049,358, G>T on the plus strand (C>A on the coding strand, the complement: COL5A2 is on the minus strand). VCF-style: chr2-189049358-G-T. GRCh37 (hg19) VCF-style: chr2-189914084-G-T.
Other names: short protein forms P1046T.
Identifiers: ClinVar variation 2712093 (VCV002712093.3), dbSNP rs1576493005, ClinGen allele CA349865102.